The following is an entry in ClinVar:

ClinVar aggregate classification (germline): Uncertain significance (1 of 4 stars; one submission).

Conditions:
Emery-Dreifuss muscular dystrophy (EDMD). Also called: Scapuloperoneal syndrome, X-linked (formerly); Humeroperoneal neuromuscular disease, (formerly). Identifiers: Orphanet 261, MedGen C0410189, MONDO:0016830.

gnomAD v4.1: 5 of 1,613,888 alleles (0.00031%); highest among the groups gnomAD compares: Non-Finnish European, 0.00042%; no homozygotes.

Submission:

Labcorp Genetics (formerly Invitae), Labcorp
Classification: Uncertain significance for Emery-Dreifuss muscular dystrophy. Last evaluated: 2023-07-29. Review status: criteria provided, single submitter. Criteria: Invitae Variant Classification Sherloc (09022015). Collection method: clinical testing. Allele origin: germline.
Comment: This sequence change replaces threonine, which is neutral and polar, with arginine, which is basic and polar, at codon 703 of the SUN1 protein (p.Thr703Arg). This variant is present in population databases (no rsID available, gnomAD 0.0009%). In summary, the available evidence is currently insufficient to determine the role of this variant in disease. Therefore, it has been classified as a Variant of Uncertain Significance. An algorithm developed to predict the effect of missense changes on protein structure and function (PolyPhen-2) suggests that this variant is likely to be disruptive. This variant has not been reported in the literature in individuals affected with SUN1-related conditions.

NM_001130965.3(SUN1):c.2108C>G (p.Thr703Arg)

Gene: SUN1 (Sad1 and UNC84 domain containing 1; plus strand). Cytogenetic location: 7p22.3.
Variant type: single nucleotide variant.
Coding change: c.2108C>G on transcript NM_001130965.3 (MANE Select); coding-DNA position 2108, C replaced by G.
Protein change: p.Thr703Arg; replaces threonine 703 with arginine.
Molecular consequence: missense variant. On other transcripts: non-coding transcript variant (3).
Genome position (GRCh38, 1-based): chr7:869,476, C>G. VCF-style: chr7-869476-C-G. GRCh37 (hg19) VCF-style: chr7-909113-C-G.
Other names: c.2105C>G, p.Thr702Arg (NM_001367665.1, NM_001367694.1); c.2351C>G, p.Thr784Arg (NM_001367666.1); c.2069C>G, p.Thr690Arg (NM_001367667.1, NM_001367689.1); c.2150C>G, p.Thr717Arg (NM_001367668.1, NM_001367647.1); c.2135C>G, p.Thr712Arg (NM_001367669.1); c.1958C>G, p.Thr653Arg (NM_001367670.1); c.1955C>G, p.Thr652Arg (NM_001367671.1, NM_001367662.1); c.2075C>G, p.Thr692Arg (NM_001367672.1); and 43 more; short protein forms T514R, T647R, T652R, T653R, T690R, T703R, T718R, T729R.
Identifiers: ClinVar variation 2960091 (VCV002960091.3), dbSNP rs1362013228, ClinGen allele CA366535239.
Genomic context (GRCh38, chr7:869,476, plus strand): 5'-CCATGATGATCCACCCAGCCGCCTTCACTCTGGAGCACATCCCTAAGACGCTGTCGCCAA[C>G]AGGCAACATCAGCAGCGCCCCCAAGGACTTCGCCGTCTATGTGAGTGCCCTTGGCCGACC-3'
Protein context (NP_001124437.1, residues 693-713): LEHIPKTLSP[Thr703Arg]GNISSAPKDF